The following is an entry in ClinVar:

ClinVar aggregate classification (germline): Likely pathogenic. Review status: criteria provided, multiple submitters, no conflicts (2 of 4 stars). 2 submissions from 2 submitters: Likely pathogenic (2). Last evaluated 2025-08-22.

Allele frequency attached by ClinVar (database versions not stated): TOPMed 0.00002.
gnomAD v4.1: 5 of 1,613,818 alleles (0.00031%); highest among the groups gnomAD compares: Admixed American, 0.0017%; no homozygotes.

Submissions (2):

GeneDx
Classification: Likely pathogenic. Last evaluated: 2025-08-22. Review status: criteria provided, single submitter. Criteria: GeneDx Variant Classification Process June 2021. Collection method: clinical testing. Allele origin: germline. Affected: yes.
Comment: Nonsense variant predicted to result in protein truncation or nonsense mediated decay in a gene for which loss of function is a known mechanism of disease; Not observed at significant frequency in large population cohorts (gnomAD); Has not been previously published as pathogenic or benign to our knowledge

Genetic Services Laboratory, University of Chicago
Classification: Likely pathogenic. Last evaluated: 2019-10-21. Review status: criteria provided, single submitter. Criteria: ACMG Guidelines, 2015. Collection method: clinical testing. Allele origin: germline. Affected: yes.
Comment: DNA sequence analysis of the STAMBP gene demonstrated a sequence change, c.232C>T, which results in the creation of a premature stop codon at amino acid position 78, p.Arg78*. This sequence change is predicted to result in an abnormal transcript, which may be degraded, or may lead to the production of a truncated STAMBP protein with potentially abnormal function. This sequence change has not been previously been described in patients with STAMBP-related disorder. This sequence change has been described in the gnomAD database with a low population frequency of 0.0033% in South Asian subpopulation (dbSNP rs1174684647); and it has not been observed in homozygous state in any individuals. These collective evidences indicate that this sequence change is likely pathogenic; however functional studies have not been performed to prove this conclusively.

NM_213622.4(STAMBP):c.232C>T (p.Arg78Ter)

Gene: STAMBP (STAM binding protein; plus strand). Cytogenetic location: 2p13.1.
Variant type: single nucleotide variant.
Coding change: c.232C>T on transcript NM_213622.4 (MANE Select); coding-DNA position 232, C replaced by T.
Protein change: p.Arg78Ter; replaces arginine 78 with a stop codon.
Molecular consequence: nonsense. On other transcripts: 5 prime UTR variant (6), non-coding transcript variant (4).
Genome position (GRCh38, 1-based): chr2:73,844,841, C>T. VCF-style: chr2-73844841-C-T. GRCh37 (hg19) VCF-style: chr2-74071968-C-T.
Other names: c.232C>T, p.Arg78Ter (NM_001353967.2, NM_001353968.2, NM_001353969.2 and 3 more transcripts); c.-322C>T (NM_001353971.2, NM_001353973.2, NM_001353974.2 and 2 more transcripts); c.-174C>T (NM_001353972.2); short protein forms R78*.
Identifiers: ClinVar variation 817554 (VCV000817554.6), dbSNP rs1174684647, ClinGen allele CA347305022.